The following is an entry in ClinVar:

ClinVar aggregate classification (germline): Likely benign (1 of 4 stars; one submission).

Allele frequency attached by ClinVar (database versions not stated): TOPMed below 0.00001; ExAC 0.00002.
gnomAD v4.1: 13 of 1,210,845 alleles (0.0011%); highest among the groups gnomAD compares: Non-Finnish European, 0.0012%; no homozygotes.

Submission:

CeGaT Center for Human Genetics Tuebingen
Classification: Likely benign. Last evaluated: 2022-12-01. Review status: criteria provided, single submitter. Criteria: CeGaT Center For Human Genetics Tuebingen Variant Classification Criteria Version 2. Collection method: clinical testing. Allele origin: germline. Affected: yes. Observed: 2 variant alleles.
Comment: EIF2S3: BP4, BP7

NM_001415.4(EIF2S3):c.27T>C (p.Thr9=)

Genes: EIF2S3 (eukaryotic translation initiation factor 2 subunit gamma; plus strand), LOC130068055 (ATAC-STARR-seq lymphoblastoid active region 29496; plus strand). Cytogenetic location: Xp22.11.
Variant type: single nucleotide variant.
Coding change: c.27T>C on transcript NM_001415.4 (MANE Select); coding-DNA position 27, T replaced by C.
Protein change: p.Thr9=; no amino-acid change (threonine 9 retained).
Molecular consequence: synonymous variant.
Genome position (GRCh38, 1-based): chrX:24,054,995, T>C. VCF-style: chrX-24054995-T-C. GRCh37 (hg19) VCF-style: chrX-24073112-T-C.
Identifiers: ClinVar variation 2660180 (VCV002660180.24), dbSNP rs746577423, ClinGen allele CA10370631.